The following is an entry in ClinVar:

ClinVar aggregate classification (germline): Uncertain significance (1 of 4 stars; one submission).

Submission:

Ambry Genetics
Classification: Uncertain significance. Last evaluated: 2024-01-05. Review status: criteria provided, single submitter. Criteria: Ambry Variant Classification Scheme 2023. Collection method: clinical testing. Allele origin: germline.
Comment: The c.3644-3T>C intronic variant results from a T to C substitution 3 nucleotides upstream from coding exon 6 in the MLH3 gene. This nucleotide position is well conserved in available vertebrate species. In silico splice site analysis predicts that this alteration will not have any significant effect on splicing. The evidence for this gene-disease relationship is limited; therefore, the clinical significance of this alteration is unclear.

NM_001040108.2(MLH3):c.3644-3T>C

Gene: MLH3 (mutL homolog 3; minus strand). Cytogenetic location: 14q24.3.
Variant type: single nucleotide variant.
Coding change: c.3644-3T>C on transcript NM_001040108.2 (MANE Select); 3 bases into the intron before coding-DNA position 3644, T replaced by C.
Molecular consequence: intron variant.
Genome position (GRCh38, 1-based): chr14:75,033,493, A>G on the plus strand (T>C on the coding strand, the complement: MLH3 is on the minus strand). VCF-style: chr14-75033493-A-G. GRCh37 (hg19) VCF-style: chr14-75500196-A-G.
Other names: c.3644-1314T>C (NM_014381.3).
Identifiers: ClinVar variation 3232551 (VCV003232551.1), dbSNP rs2503142647, ClinGen allele CA2625722163.